The following is an entry in ClinVar:

NM_001042492.3(NF1):c.1940A>G (p.His647Arg)

Gene: NF1 (neurofibromin 1; plus strand). Cytogenetic location: 17q11.2.
Variant type: single nucleotide variant.
Coding change: c.1940A>G on transcript NM_001042492.3 (MANE Select); coding-DNA position 1940, A replaced by G.
Protein change: p.His647Arg; replaces histidine 647 with arginine.
Molecular consequence: missense variant.
Genome position (GRCh38, 1-based): chr17:31,225,189, A>G. VCF-style: chr17-31225189-A-G. GRCh37 (hg19) VCF-style: chr17-29552207-A-G.
Other names: c.1940A>G, p.His647Arg (NM_000267.4); short protein forms H647R.
Identifiers: ClinVar variation 1014352 (VCV001014352.17), dbSNP rs1170252879, ClinGen allele CA399005429.

ClinVar aggregate classification (germline): Uncertain significance. Review status: criteria provided, multiple submitters, no conflicts (2 of 4 stars). 5 submissions from 5 submitters: Uncertain significance (5). Last evaluated 2025-11-05.

Conditions:
Hereditary cancer-predisposing syndrome. Also called: Tumor predisposition; Hereditary Cancer Syndrome; Neoplastic Syndromes, Hereditary; Hereditary neoplastic syndrome. Identifiers: Orphanet 140162, MedGen C0027672, MeSH D009386, MONDO:0015356.
Cardiovascular phenotype. Identifiers: MedGen CN230736.
Neurofibromatosis, type 1 (NF1). Also called: VON RECKLINGHAUSEN DISEASE; Neurofibromatosis, type I; NEUROFIBROMATOSIS, TYPE I, SOMATIC; Peripheral type neurofibromatosis. Identifiers: Orphanet 636, MedGen C0027831, MONDO:0018975, OMIM 162200. Disease mechanism: loss of function.

Allele frequency attached by ClinVar (database versions not stated): TOPMed below 0.00001.
gnomAD v4.1: 1 of 1,613,886 alleles (0.000062%); highest among the groups gnomAD compares: East Asian, 0.0022%; no homozygotes.

Submissions (5):

Labcorp Genetics (formerly Invitae), Labcorp
Classification: Uncertain significance for Neurofibromatosis, type 1. Last evaluated: 2025-11-05. Review status: criteria provided, single submitter. Criteria: Invitae Variant Classification Sherloc (09022015). Collection method: clinical testing. Allele origin: germline.
Comment: This sequence change replaces histidine, which is basic and polar, with arginine, which is basic and polar, at codon 647 of the NF1 protein (p.His647Arg). This variant is not present in population databases (gnomAD no frequency). This variant has not been reported in the literature in individuals affected with NF1-related conditions. ClinVar contains an entry for this variant (Variation ID: 1014352). Invitae Evidence Modeling of protein sequence and biophysical properties (such as structural, functional, and spatial information, amino acid conservation, physicochemical variation, residue mobility, and thermodynamic stability) indicates that this missense variant is not expected to disrupt NF1 protein function with a negative predictive value of 95%. In summary, the available evidence is currently insufficient to determine the role of this variant in disease. Therefore, it has been classified as a Variant of Uncertain Significance.

Ambry Genetics
Classification: Uncertain significance for Cardiovascular phenotype; Hereditary cancer-predisposing syndrome. Last evaluated: 2025-09-28. Review status: criteria provided, single submitter. Criteria: Ambry Variant Classification Scheme 2023. Collection method: clinical testing. Allele origin: germline.
Comment: The p.H647R variant (also known as c.1940A>G), located in coding exon 17 of the NF1 gene, results from an A to G substitution at nucleotide position 1940. The histidine at codon 647 is replaced by arginine, an amino acid with highly similar properties. This amino acid position is conserved. In addition, this alteration is predicted to be tolerated by in silico analysis. Since supporting evidence is limited at this time, the clinical significance of this alteration remains unclear.

Center for Genomic Medicine, Rigshospitalet, Copenhagen University Hospital
Classification: Uncertain significance. Last evaluated: 2025-03-04. Review status: criteria provided, single submitter. Criteria: ACMG Guidelines, 2015. Collection method: clinical testing. Allele origin: germline.

Genome-Nilou Lab
Classification: Uncertain significance for Neurofibromatosis, type 1. Last evaluated: 2022-03-15. Review status: criteria provided, single submitter. Criteria: ACMG Guidelines, 2015. Collection method: clinical testing. Allele origin: germline. Affected: no.

GeneDx
Classification: Uncertain significance. Last evaluated: 2021-03-01. Review status: criteria provided, single submitter. Criteria: GeneDx Variant Classification Process June 2021. Collection method: clinical testing. Allele origin: germline. Affected: yes.
Comment: Not observed in large population cohorts (Lek et al., 2016); In silico analysis supports that this missense variant does not alter protein structure/function; Has not been previously published as pathogenic or benign to our knowledge